The following is an entry in ClinVar:

ClinVar aggregate classification (germline): Conflicting classifications of pathogenicity. Review status: criteria provided, conflicting classifications (1 of 4 stars). 2 submissions from 2 submitters: Pathogenic (1); Uncertain significance (1). Last evaluated 2025-05-22.

Conditions:
Hereditary spastic paraplegia 3A (SPG3A). Also called: Spastic Paraplegia 3A; Spastic paraplegia 3A, autosomal dominant; SPASTIC PARAPLEGIA 3, AUTOSOMAL DOMINANT; FAMILIAL SPASTIC PARAPLEGIA, AUTOSOMAL DOMINANT, 1; SPG3; STRUMPELL DISEASE. Identifiers: Orphanet 100984, MedGen C2931355, MONDO:0008437, OMIM 182600.

Submissions (2):

Labcorp Genetics (formerly Invitae), Labcorp
Classification: Pathogenic for Hereditary spastic paraplegia 3A. Last evaluated: 2025-05-22. Review status: criteria provided, single submitter. Criteria: Invitae Variant Classification Sherloc (09022015). Collection method: clinical testing. Allele origin: germline.
Comment: This sequence change replaces tyrosine, which is neutral and polar, with cysteine, which is neutral and slightly polar, at codon 459 of the ATL1 protein (p.Tyr459Cys). This variant is not present in population databases (gnomAD no frequency). This missense change has been observed in individuals with autosomal dominant hereditary spastic paraplegia (PMID: 17380240, 34782662). It has also been observed to segregate with disease in related individuals. ClinVar contains an entry for this variant (Variation ID: 2736110). Invitae Evidence Modeling of protein sequence and biophysical properties (such as structural, functional, and spatial information, amino acid conservation, physicochemical variation, residue mobility, and thermodynamic stability) indicates that this missense variant is expected to disrupt ATL1 protein function with a positive predictive value of 95%. For these reasons, this variant has been classified as Pathogenic.

GeneDx
Classification: Uncertain significance. Last evaluated: 2025-04-19. Review status: criteria provided, single submitter. Criteria: GeneDx Variant Classification Process June 2021. Collection method: clinical testing. Allele origin: germline. Affected: yes.
Comment: Reported previously in patients with hereditary spastic paraplegia (PMID: 39526733, 17380240, 34782662); In silico analysis supports that this missense variant has a deleterious effect on protein structure/function; Not observed at significant frequency in large population cohorts (gnomAD); This variant is associated with the following publications: (PMID: 31236401, 39526733, 17380240, 34782662)

Literature cited by the submitters: PubMed 17380240 (cited by Labcorp Genetics (formerly Invitae), Labcorp); PubMed 34782662 (cited by Labcorp Genetics (formerly Invitae), Labcorp).

NM_015915.5(ATL1):c.1376A>G (p.Tyr459Cys)

Gene: ATL1 (atlastin GTPase 1; plus strand). Cytogenetic location: 14q22.1.
Variant type: single nucleotide variant.
Coding change: c.1376A>G on transcript NM_015915.5 (MANE Select); coding-DNA position 1376, A replaced by G.
Protein change: p.Tyr459Cys; replaces tyrosine 459 with cysteine.
Molecular consequence: missense variant.
Genome position (GRCh38, 1-based): chr14:50,628,287, A>G. VCF-style: chr14-50628287-A-G. GRCh37 (hg19) VCF-style: chr14-51095005-A-G.
Other names: c.1376A>G, p.Tyr459Cys (NM_001127713.1, NM_181598.4); short protein forms Y459C.
Identifiers: ClinVar variation 2736110 (VCV002736110.4), dbSNP rs2504578020, ClinGen allele CA389676154.
Genomic context (GRCh38, chr14:50,628,287, plus strand): 5'-AAAATATCTTCCATGCAGCTCGTACCCCAGCCACACTGTTTGTAGTCATCTTTATCACAT[A>G]TGTGATTGCTGGTGTGACTGGATTCATTGGTTTGGACATCATAGCTAGCCTATGCAATAT-3'
Protein context (NP_056999.2, residues 449-469): ATLFVVIFIT[Tyr459Cys]VIAGVTGFIG